The following is an entry in ClinVar:

ClinVar aggregate classification (germline): Uncertain significance (1 of 4 stars; one submission).

Allele frequency attached by ClinVar (database versions not stated): gnomAD 0.00001; 1000 Genomes Project 30x 0.00016.

Submission:

Labcorp Genetics (formerly Invitae), Labcorp
Classification: Uncertain significance. Last evaluated: 2025-04-07. Review status: criteria provided, single submitter. Criteria: Invitae Variant Classification Sherloc (09022015). Collection method: clinical testing. Allele origin: germline.
Comment: This sequence change replaces alanine, which is neutral and non-polar, with threonine, which is neutral and polar, at codon 23 of the SOX18 protein (p.Ala23Thr). The frequency data for this variant in the population databases is considered unreliable, as metrics indicate insufficient coverage at this position in the gnomAD database. This variant has not been reported in the literature in individuals affected with SOX18-related conditions. ClinVar contains an entry for this variant (Variation ID: 1941836). An algorithm developed to predict the effect of missense changes on protein structure and function (PolyPhen-2) suggests that this variant is likely to be disruptive. In summary, the available evidence is currently insufficient to determine the role of this variant in disease. Therefore, it has been classified as a Variant of Uncertain Significance.

NM_018419.3(SOX18):c.67G>A (p.Ala23Thr)

Gene: SOX18 (SRY-box transcription factor 18; minus strand). Cytogenetic location: 20q13.33.
Variant type: single nucleotide variant.
Coding change: c.67G>A on transcript NM_018419.3 (MANE Select); coding-DNA position 67, G replaced by A.
Protein change: p.Ala23Thr; replaces alanine 23 with threonine.
Molecular consequence: missense variant.
Genome position (GRCh38, 1-based): chr20:64,049,450, C>T on the plus strand (G>A on the coding strand, the complement: SOX18 is on the minus strand). VCF-style: chr20-64049450-C-T. GRCh37 (hg19) VCF-style: chr20-62680803-C-T.
Other names: short protein forms A23T.
Identifiers: ClinVar variation 1941836 (VCV001941836.5), dbSNP rs2145418198, ClinGen allele CA409756630.